The following is an entry in ClinVar:

NM_000059.4(BRCA2):c.5671G>T (p.Ala1891Ser)

Gene: BRCA2 (BRCA2 DNA repair associated; plus strand). Cytogenetic location: 13q13.1.
Variant type: single nucleotide variant.
Coding change: c.5671G>T on transcript NM_000059.4 (MANE Select); coding-DNA position 5671, G replaced by T.
Protein change: p.Ala1891Ser; replaces alanine 1891 with serine.
Molecular consequence: missense variant. On other transcripts: non-coding transcript variant (1), intron variant (2).
Genome position (GRCh38, 1-based): chr13:32,340,026, G>T. VCF-style: chr13-32340026-G-T. GRCh37 (hg19) VCF-style: chr13-32914163-G-T.
Other names: c.5671G>T, p.Ala1891Ser (NM_001406719.1, NM_001406720.1); c.1910-4532G>T (NM_001406721.1); c.425-4532G>T (NM_001406722.1); short protein forms A1891S.
Identifiers: ClinVar variation 2848014 (VCV002848014.3), dbSNP rs587782644, ClinGen allele CA387786202.

ClinVar aggregate classification (germline): Uncertain significance (1 of 4 stars; one submission).

Conditions:
Hereditary breast ovarian cancer syndrome. Also called: Hereditary breast and ovarian cancer syndrome (HBOC); Hereditary breast and ovarian cancer syndrome; Breast and ovarian cancer; BRCA1- and BRCA2-Associated Hereditary Breast and Ovarian Cancer; Hereditary breast and ovarian cancer; Hereditary breast and/or ovarian cancer syndrome. Identifiers: Orphanet 145, MedGen C0677776, MeSH D061325, MONDO:0003582. Disease mechanism: loss of function.

Submission:

Labcorp Genetics (formerly Invitae), Labcorp
Classification: Uncertain significance for Hereditary breast ovarian cancer syndrome. Last evaluated: 2023-03-21. Review status: criteria provided, single submitter. Criteria: Invitae Variant Classification Sherloc (09022015). Collection method: clinical testing. Allele origin: germline.
Comment: In summary, the available evidence is currently insufficient to determine the role of this variant in disease. Therefore, it has been classified as a Variant of Uncertain Significance. Advanced modeling of protein sequence and biophysical properties (such as structural, functional, and spatial information, amino acid conservation, physicochemical variation, residue mobility, and thermodynamic stability) performed at Invitae indicates that this missense variant is not expected to disrupt BRCA2 protein function. This variant has not been reported in the literature in individuals affected with BRCA2-related conditions. This sequence change replaces alanine, which is neutral and non-polar, with serine, which is neutral and polar, at codon 1891 of the BRCA2 protein (p.Ala1891Ser). This variant is not present in population databases (gnomAD no frequency).